The following is an entry in ClinVar:

NM_001127898.4(CLCN5):c.2143_2143+10del

Genes: CLCN5 (chloride voltage-gated channel 5; plus strand), LOC126863258 (BRD4-independent group 4 enhancer GRCh37_chrX:49854497-49855696; plus strand). Cytogenetic location: Xp11.23.
Variant type: Deletion.
Coding change: c.2143_2143+10del on transcript NM_001127898.4 (MANE Select); coding-DNA position 2143 through 10 bases into the intron after coding-DNA position 2143, 11 bases deleted (GGTAAGGATTT).
Molecular consequence: splice donor variant.
Genome position (GRCh38, 1-based): chrX:50,090,514-50,090,524, GGTAAGGATTT deleted; deleting any 11 consecutive bases within chrX:50,090,512-50,090,524 gives the same sequence; the c. name uses the placement nearest the transcript's 3' end. VCF-style (leftmost placement, unchanged base first): chrX-50090511-ATTGGTAAGGAT-A. GRCh37 (hg19) VCF-style: chrX-49855168-ATTGGTAAGGAT-A.
Other names: c.2143_2143+10del (NM_001127899.4); c.1933_1933+10del (NM_000084.5); c.1993_1993+10del (NM_001282163.2).
Identifiers: ClinVar variation 851548 (VCV000851548.8), dbSNP rs1934055157, ClinGen allele CA916083956.

ClinVar aggregate classification (germline): Likely pathogenic (1 of 4 stars; one submission).

Submission:

Labcorp Genetics (formerly Invitae), Labcorp
Classification: Likely pathogenic. Last evaluated: 2019-12-18. Review status: criteria provided, single submitter. Criteria: Invitae Variant Classification Sherloc (09022015). Collection method: clinical testing. Allele origin: germline.
Comment: In summary, the currently available evidence indicates that the variant is pathogenic, but additional data are needed to prove that conclusively. Therefore, this variant has been classified as Likely Pathogenic. Donor and acceptor splice site variants typically lead to a loss of protein function (PMID: 16199547), and loss-of-function variants in CLCN5 are known to be pathogenic (PMID: 22876375, 25907713). Algorithms developed to predict the effect of sequence changes on RNA splicing suggest that this variant may disrupt the consensus splice site, but this prediction has not been confirmed by published transcriptional studies. This variant has not been reported in the literature in individuals with CLCN5-related conditions. This variant is not present in population databases (ExAC no frequency). This sequence change affects a donor splice site in intron 10 of the CLCN5 gene. It is expected to disrupt RNA splicing and likely results in an absent or disrupted protein product.

Literature cited by the submitters: PubMed 16199547; PubMed 22876375; PubMed 25907713.